The following is an entry in ClinVar:

NM_001371986.1(UNC80):c.1822A>G (p.Met608Val)

Gene: UNC80 (unc-80 subunit of NALCN channel complex; plus strand). Cytogenetic location: 2q34.
Variant type: single nucleotide variant.
Coding change: c.1822A>G on transcript NM_001371986.1 (MANE Select); coding-DNA position 1822, A replaced by G.
Protein change: p.Met608Val; replaces methionine 608 with valine.
Molecular consequence: missense variant.
Genome position (GRCh38, 1-based): chr2:209,819,121, A>G. VCF-style: chr2-209819121-A-G. GRCh37 (hg19) VCF-style: chr2-210683845-A-G.
Other names: c.1822A>G, p.Met608Val (NM_032504.2, NM_182587.4); short protein forms M608V.
Identifiers: ClinVar variation 1393636 (VCV001393636.5), dbSNP rs369499490, ClinGen allele CA2082974.
Genomic context (GRCh38, chr2:209,819,121, plus strand): 5'-TATGCAGACTTTTTCAATGAGCATATGAGGAAACTCTGCAACCAGGTGCCTATCCCGGAG[A>G]TGCCACATGAACCTCTGGCATGTGCTAACCTACCTCGAAGCCTCACAGACTCCTGCATAA-3'
Protein context (NP_001358915.1, residues 598-618): KLCNQVPIPE[Met608Val]PHEPLACANL

ClinVar aggregate classification (germline): Uncertain significance. Review status: criteria provided, multiple submitters, no conflicts (2 of 4 stars). 2 submissions from 2 submitters: Uncertain significance (2). Last evaluated 2024-10-28.

Conditions:
Hypotonia, infantile, with psychomotor retardation and characteristic facies 2 (IHPRF2). Also called: UNC80 Deficiency. Identifiers: Orphanet 371364, Orphanet 700333, MedGen C4225203, MONDO:0014777, OMIM 616801.

Allele frequency attached by ClinVar (database versions not stated): gnomAD 0.00005; TOPMed 0.00006; gnomAD exomes 0.00009 and 0.00013; ESP Exome Variant Server 0.00022; ExAC 0.00026.
gnomAD v4.1: 142 of 1,552,108 alleles (0.0091%); highest among the groups gnomAD compares: Non-Finnish European, 0.0087%; no homozygotes.

Submissions (2):

Labcorp Genetics (formerly Invitae), Labcorp
Classification: Uncertain significance. Last evaluated: 2024-10-28. Review status: criteria provided, single submitter. Criteria: Invitae Variant Classification Sherloc (09022015). Collection method: clinical testing. Allele origin: germline.
Comment: This sequence change replaces methionine, which is neutral and non-polar, with valine, which is neutral and non-polar, at codon 608 of the UNC80 protein (p.Met608Val). This variant is present in population databases (rs369499490, gnomAD 0.09%). This variant has not been reported in the literature in individuals affected with UNC80-related conditions. ClinVar contains an entry for this variant (Variation ID: 1393636). An algorithm developed to predict the effect of missense changes on protein structure and function (PolyPhen-2) suggests that this variant is likely to be disruptive. In summary, the available evidence is currently insufficient to determine the role of this variant in disease. Therefore, it has been classified as a Variant of Uncertain Significance.

Department of Pathology and Laboratory Medicine, Sinai Health System
Classification: Uncertain significance for Hypotonia, infantile, with psychomotor retardation and characteristic facies 2. Last evaluated: 2023-01-22. Review status: criteria provided, single submitter. Criteria: ACMG Guidelines, 2015. Collection method: research. Allele origin: germline.